The following is an entry in ClinVar:

ClinVar aggregate classification (germline): Uncertain significance. Review status: criteria provided, multiple submitters, no conflicts (2 of 4 stars). 2 submissions from 2 submitters: Uncertain significance (2). Last evaluated 2025-06-23.

Conditions:
Neuropathy, hereditary sensory and autonomic, type 2A (HSAN2A). Also called: MORVAN DISEASE; NEUROPATHY, CONGENITAL SENSORY; NEUROPATHY, HEREDITARY SENSORY RADICULAR, AUTOSOMAL RECESSIVE; NEUROPATHY, HEREDITARY SENSORY, TYPE IIA; NEUROPATHY, PROGRESSIVE SENSORY, OF CHILDREN; ACROOSTEOLYSIS, GIACCAI TYPE. Identifiers: Orphanet 970, MedGen C2752089, MONDO:0024309, OMIM 201300.
Generalized epilepsy with febrile seizures plus, type 7 (GEFSP7). Also called: GEFS+, TYPE 7. Identifiers: Orphanet 36387, MedGen C2751778, MONDO:0013470, OMIM 613863.

Submissions (2):

Labcorp Genetics (formerly Invitae), Labcorp
Classification: Uncertain significance for Neuropathy, hereditary sensory and autonomic, type 2A; Generalized epilepsy with febrile seizures plus, type 7. Last evaluated: 2025-06-23. Review status: criteria provided, single submitter. Criteria: Invitae Variant Classification Sherloc (09022015). Collection method: clinical testing. Allele origin: germline.
Comment: This sequence change replaces glycine, which is neutral and non-polar, with arginine, which is basic and polar, at codon 375 of the SCN9A protein (p.Gly375Arg). This variant is not present in population databases (gnomAD no frequency). This variant has not been reported in the literature in individuals affected with SCN9A-related conditions. ClinVar contains an entry for this variant (Variation ID: 3756223). Invitae Evidence Modeling of protein sequence and biophysical properties (such as structural, functional, and spatial information, amino acid conservation, physicochemical variation, residue mobility, and thermodynamic stability) has been performed for this missense variant. However, the output from this modeling did not meet the statistical confidence thresholds required to predict the impact of this variant on SCN9A protein function. In summary, the available evidence is currently insufficient to determine the role of this variant in disease. Therefore, it has been classified as a Variant of Uncertain Significance.

GeneDx
Classification: Uncertain significance. Last evaluated: 2025-04-28. Review status: criteria provided, single submitter. Criteria: GeneDx Variant Classification Process June 2021. Collection method: clinical testing. Allele origin: germline. Affected: yes.
Comment: Not observed at significant frequency in large population cohorts (gnomAD); In silico analysis supports that this missense variant has a deleterious effect on protein structure/function; Has not been previously published as pathogenic or benign to our knowledge

NM_001365536.1(SCN9A):c.1123G>C (p.Gly375Arg)

Genes: SCN1A-AS1 (SCN1A and SCN9A antisense RNA 1; plus strand), SCN9A (sodium voltage-gated channel alpha subunit 9; minus strand). Cytogenetic location: 2q24.3.
Variant type: single nucleotide variant.
Coding change: c.1123G>C on transcript NM_001365536.1 (MANE Select); coding-DNA position 1123, G replaced by C.
Protein change: p.Gly375Arg; replaces glycine 375 with arginine.
Molecular consequence: missense variant.
Genome position (GRCh38, 1-based): chr2:166,288,628, C>G on the plus strand (G>C on the coding strand, the complement: SCN9A is on the minus strand). VCF-style: chr2-166288628-C-G. GRCh37 (hg19) VCF-style: chr2-167145138-C-G.
Other names: c.1123G>C, p.Gly375Arg (NM_002977.4); short protein forms G375R.
Identifiers: ClinVar variation 3756223 (VCV003756223.3).